The following is an entry in ClinVar:

NM_001040108.2(MLH3):c.3236C>G (p.Thr1079Ser)

Gene: MLH3 (mutL homolog 3; minus strand). Cytogenetic location: 14q24.3.
Variant type: single nucleotide variant.
Coding change: c.3236C>G on transcript NM_001040108.2 (MANE Select); coding-DNA position 3236, C replaced by G.
Protein change: p.Thr1079Ser; replaces threonine 1079 with serine.
Molecular consequence: missense variant.
Genome position (GRCh38, 1-based): chr14:75,046,420, G>C on the plus strand (C>G on the coding strand, the complement: MLH3 is on the minus strand). VCF-style: chr14-75046420-G-C. GRCh37 (hg19) VCF-style: chr14-75513123-G-C.
Other names: c.3236C>G, p.Thr1079Ser (NM_014381.3); short protein forms T1079S.
Identifiers: ClinVar variation 3396790 (VCV003396790.1).

ClinVar aggregate classification (germline): Uncertain significance (1 of 4 stars; one submission).

Submission:

Ambry Genetics
Classification: Uncertain significance. Last evaluated: 2024-12-08. Review status: criteria provided, single submitter. Criteria: Ambry Variant Classification Scheme 2023. Collection method: clinical testing. Allele origin: germline.
Comment: The p.T1079S variant (also known as c.3236C>G), located in coding exon 1 of the MLH3 gene, results from a C to G substitution at nucleotide position 3236. The threonine at codon 1079 is replaced by serine, an amino acid with similar properties. This amino acid position is conserved. In addition, the in silico prediction for this alteration is inconclusive. Based on the available evidence, the clinical significance of this variant remains unclear.